The following is an entry in ClinVar:

ClinVar aggregate classification (germline): Benign. Review status: criteria provided, multiple submitters, no conflicts (2 of 4 stars). 11 submissions from 9 submitters: Benign (11). Last evaluated 2026-02-04.

Conditions:
Megacystis-microcolon-intestinal hypoperistalsis syndrome 2. Identifiers: MedGen C5543476, MONDO:0025708, OMIM 619351.
Visceral myopathy 2. Identifiers: MedGen C5543466, MONDO:0859157, OMIM 619350.
Familial thoracic aortic aneurysm and aortic dissection (TAAD). Also called: Thoracic aortic aneurysms and dissections. Identifiers: Orphanet 91387, MedGen C4707243, MONDO:0019625.
Aortic aneurysm, familial thoracic 4 (AAT4). Also called: AORTIC ANEURYSM/AORTIC DISSECTION AND PATENT DUCTUS ARTERIOSUS. Identifiers: MedGen C1851504, MONDO:0007568, OMIM 132900.

Allele frequency attached by ClinVar (database versions not stated): gnomAD exomes 0.39373 and 0.41126; ExAC 0.41639; gnomAD 0.46907 and 0.46932; ESP Exome Variant Server 0.47322; TOPMed 0.47926; 1000 Genomes Project 0.53435; 1000 Genomes Project 30x 0.53873.
gnomAD v4.1: 647,911 of 1,613,218 alleles (40%); highest among the groups gnomAD compares: East Asian, 68%; 136,001 homozygotes.

Submissions (11):

Labcorp Genetics (formerly Invitae), Labcorp
Classification: Benign for Aortic aneurysm, familial thoracic 4. Last evaluated: 2026-02-04. Review status: criteria provided, single submitter. Criteria: Invitae Variant Classification Sherloc (09022015). Collection method: clinical testing. Allele origin: germline.

Blueprint Genetics
Classification: Benign. Last evaluated: 2024-11-27. Review status: criteria provided, single submitter. Criteria: ACMG Guidelines, 2015. Collection method: clinical testing. Allele origin: germline.

Genome-Nilou Lab
Classification: Benign for Aortic aneurysm, familial thoracic 4. Last evaluated: 2021-09-05. Review status: criteria provided, single submitter. Criteria: ACMG Guidelines, 2015. Collection method: clinical testing. Allele origin: germline. Affected: no.

Genome-Nilou Lab
Classification: Benign for Megacystis-microcolon-intestinal hypoperistalsis syndrome 2. Last evaluated: 2021-09-05. Review status: criteria provided, single submitter. Criteria: ACMG Guidelines, 2015. Collection method: clinical testing. Allele origin: germline. Affected: no.

Genome-Nilou Lab
Classification: Benign for Visceral myopathy 2. Last evaluated: 2021-09-05. Review status: criteria provided, single submitter. Criteria: ACMG Guidelines, 2015. Collection method: clinical testing. Allele origin: germline. Affected: no.

Color Diagnostics, LLC DBA Color Health
Classification: Benign for Familial thoracic aortic aneurysm and aortic dissection. Last evaluated: 2018-03-19. Review status: criteria provided, single submitter. Criteria: ACMG Guidelines, 2015. Collection method: clinical testing. Allele origin: germline.

Illumina Laboratory Services, Illumina
Classification: Benign for Aortic aneurysm, familial thoracic 4. Last evaluated: 2018-01-13. Review status: criteria provided, single submitter. Criteria: ICSL Variant Classification Criteria 13 December 2019. Collection method: clinical testing. Allele origin: germline.
Comment: This variant was observed in the ICSL laboratory as part of a predisposition screen in an ostensibly healthy population. It had not been previously curated by ICSL or reported in the Human Gene Mutation Database (HGMD: prior to June 1st, 2018), and was therefore a candidate for classification through an automated scoring system. Utilizing variant allele frequency, disease prevalence and penetrance estimates, and inheritance mode, an automated score was calculated to assess if this variant is too frequent to cause the disease. Based on the score and internal cut-off values, a variant classified as benign is not then subjected to further curation. The score for this variant resulted in a classification of benign for this disease.

Laboratory for Molecular Medicine, Mass General Brigham Personalized Medicine
Classification: Benign. Last evaluated: 2013-04-04. Review status: criteria provided, single submitter. Criteria: LMM Criteria. Collection method: clinical testing. Allele origin: germline. Observed: 22 variant alleles.
Comment: 1270-11G>C in intron 12 of MYH11: This variant is not expected to have clinical significance because it has been identified in 37.3% (3209/8600) of European Ame rican chromosomes from a broad population by the NHLBI Exome Sequencing Project (dbSNP rs2280764).

GeneDx
Classification: Benign. Last evaluated: 2012-11-05. Review status: criteria provided, single submitter. Criteria: GeneDx Variant Classification (06012015). Collection method: clinical testing. Allele origin: germline. Affected: yes.
Comment: This variant is considered likely benign or benign based on one or more of the following criteria: it is a conservative change, it occurs at a poorly conserved position in the protein, it is predicted to be benign by multiple in silico algorithms, and/or has population frequency not consistent with disease.

Breakthrough Genomics
Classification: Benign. Review status: criteria provided, single submitter. Criteria: ACMG Guidelines, 2015. Collection method: not provided. Allele origin: germline. Inheritance: Autosomal recessive inheritance. Affected: yes.

PreventionGenetics, part of Exact Sciences
Classification: Benign. Review status: criteria provided, single submitter. Criteria: ACMG Guidelines, 2015. Collection method: clinical testing. Allele origin: germline.

NM_002474.3(MYH11):c.1249-11G>C

Gene: MYH11 (myosin heavy chain 11; minus strand). Cytogenetic location: 16p13.11.
Variant type: single nucleotide variant.
Coding change: c.1249-11G>C on transcript NM_002474.3 (MANE Select); 11 bases into the intron before coding-DNA position 1249, G replaced by C.
Molecular consequence: intron variant.
Genome position (GRCh38, 1-based): chr16:15,759,739, C>G on the plus strand (G>C on the coding strand, the complement: MYH11 is on the minus strand). VCF-style: chr16-15759739-C-G. GRCh37 (hg19) VCF-style: chr16-15853596-C-G.
Other names: c.1249-11G>C (NM_022844.3); c.1270-11G>C (NM_001040114.2, NM_001040113.2).
Identifiers: ClinVar variation 138371 (VCV000138371.22), dbSNP rs2280764, ClinGen allele CA292367.